The following is an entry in ClinVar:

NM_000400.4(ERCC2):c.1105C>G (p.Arg369Gly)

Gene: ERCC2 (ERCC excision repair 2, TFIIH core complex helicase subunit; minus strand). Cytogenetic location: 19q13.32.
Variant type: single nucleotide variant.
Coding change: c.1105C>G on transcript NM_000400.4 (MANE Select); coding-DNA position 1105, C replaced by G.
Protein change: p.Arg369Gly; replaces arginine 369 with glycine.
Molecular consequence: missense variant.
Genome position (GRCh38, 1-based): chr19:45,363,756, G>C on the plus strand (C>G on the coding strand, the complement: ERCC2 is on the minus strand). VCF-style: chr19-45363756-G-C. GRCh37 (hg19) VCF-style: chr19-45867014-G-C.
Other names: c.1033C>G, p.Arg345Gly (NM_001130867.2); short protein forms R345G, R369G.
Identifiers: ClinVar variation 3231621 (VCV003231621.1), dbSNP rs974354644, ClinGen allele CA406372013.

ClinVar aggregate classification (germline): Uncertain significance (1 of 4 stars; one submission).

Conditions:
Inborn genetic diseases. Identifiers: MedGen C0950123, MeSH D030342.

gnomAD v4.1: 1 of 1,534,932 alleles (0.000065%); highest among the groups gnomAD compares: Non-Finnish European, 0.000087%; no homozygotes.

Submission:

Ambry Genetics
Classification: Uncertain significance for Inborn genetic diseases. Last evaluated: 2024-02-06. Review status: criteria provided, single submitter. Criteria: Ambry Variant Classification Scheme 2023. Collection method: clinical testing. Allele origin: germline.
Comment: The p.R369G variant (also known as c.1105C>G), located in coding exon 11 of the ERCC2 gene, results from a C to G substitution at nucleotide position 1105. The arginine at codon 369 is replaced by glycine, an amino acid with dissimilar properties. This amino acid position is conserved. In addition, the in silico prediction for this alteration is inconclusive. Based on the available evidence, the clinical significance of this alteration remains unclear.